The following is an entry in ClinVar:

NM_000264.5(PTCH1):c.2812C>G (p.Gln938Glu)

Gene: PTCH1 (patched 1; minus strand). Cytogenetic location: 9q22.32.
Variant type: single nucleotide variant.
Coding change: c.2812C>G on transcript NM_000264.5 (MANE Select); coding-DNA position 2812, C replaced by G.
Protein change: p.Gln938Glu; replaces glutamine 938 with glutamic acid.
Molecular consequence: missense variant. On other transcripts: non-coding transcript variant (1).
Genome position (GRCh38, 1-based): chr9:95,459,675, G>C on the plus strand (C>G on the coding strand, the complement: PTCH1 is on the minus strand). VCF-style: chr9-95459675-G-C. GRCh37 (hg19) VCF-style: chr9-98221957-G-C.
Other names: c.2614C>G, p.Gln872Glu (NM_001083602.3); c.2809C>G, p.Gln937Glu (NM_001083603.3); c.2359C>G, p.Gln787Glu (NM_001083604.3, NM_001083605.3, NM_001083606.3 and 1 more transcripts); c.2656C>G, p.Gln886Glu (NM_001354918.2); c.2812C>G (NM_000264.4); short protein forms Q937E, Q787E, Q872E, Q886E, Q938E.
Identifiers: ClinVar variation 639236 (VCV000639236.5), dbSNP rs778810550, ClinGen allele CA5138321.

ClinVar aggregate classification (germline): Conflicting classifications of pathogenicity. Review status: criteria provided, conflicting classifications (1 of 4 stars). 3 submissions from 3 submitters: Uncertain significance (2); Likely benign (1). Last evaluated 2024-11-27.

Conditions:
Hereditary cancer-predisposing syndrome. Also called: Hereditary Cancer Syndrome; Neoplastic Syndromes, Hereditary; Tumor predisposition; Hereditary neoplastic syndrome. Identifiers: Orphanet 140162, MedGen C0027672, MeSH D009386, MONDO:0015356.
Gorlin syndrome. Also called: Nevoid Basal Cell Carcinoma Syndrome; Basal cell nevus syndrome. Identifiers: Orphanet 377, MedGen C0004779, MONDO:0007187.

Allele frequency attached by ClinVar (database versions not stated): gnomAD exomes below 0.00001; ExAC 0.00001; gnomAD 0.00001; TOPMed 0.00001.
gnomAD v4.1: 8 of 1,614,086 alleles (0.0005%); highest among the groups gnomAD compares: Non-Finnish European, 0.00068%; no homozygotes.

Submissions (3):

Labcorp Genetics (formerly Invitae), Labcorp
Classification: Likely benign for Gorlin syndrome. Last evaluated: 2024-11-27. Review status: criteria provided, single submitter. Criteria: Invitae Variant Classification Sherloc (09022015). Collection method: clinical testing. Allele origin: germline.

Ambry Genetics
Classification: Uncertain significance for Hereditary cancer-predisposing syndrome. Last evaluated: 2024-11-16. Review status: criteria provided, single submitter. Criteria: Ambry Variant Classification Scheme 2023. Collection method: clinical testing. Allele origin: germline.
Comment: The p.Q938E variant (also known as c.2812C>G), located in coding exon 17 of the PTCH1 gene, results from a C to G substitution at nucleotide position 2812. The glutamine at codon 938 is replaced by glutamic acid, an amino acid with highly similar properties. This amino acid position is conserved. In addition, this alteration is predicted to be deleterious by in silico analysis. Based on the available evidence, the clinical significance of this variant remains unclear.

Quest Diagnostics Nichols Institute San Juan Capistrano
Classification: Uncertain significance. Last evaluated: 2023-11-17. Review status: criteria provided, single submitter. Criteria: Quest Diagnostics criteria. Collection method: clinical testing. Allele origin: unknown.
Comment: The PTCH1 c.2812C>G (p.Gln938Glu) variant has not been reported in individuals with PTCH1-related conditions in the published literature. The frequency of this variant in the general population, 0.000004 (1/251478 chromosomes (Genome Aggregation Database)), is uninformative in the assessment of its pathogenicity. Analysis of this variant using bioinformatics tools for the prediction of the effect of amino acid changes on protein structure and function yielded predictions that this variant is damaging. Based on the available information, we are unable to determine the clinical significance of this variant.